The following is an entry in ClinVar:

ClinVar aggregate classification (germline): Likely pathogenic. Review status: criteria provided, multiple submitters, no conflicts (2 of 4 stars). 4 submissions from 4 submitters: Likely pathogenic (4). Last evaluated 2025-02-07.

Conditions:
Hereditary cancer-predisposing syndrome. Also called: Hereditary Cancer Syndrome; Tumor predisposition; Neoplastic Syndromes, Hereditary; Hereditary neoplastic syndrome. Identifiers: Orphanet 140162, MedGen C0027672, MeSH D009386, MONDO:0015356.
Ataxia-telangiectasia syndrome (AT). Also called: ATAXIA-TELANGIECTASIA, FRESNO VARIANT; Ataxia-telangiectasia, complementation group E; Ataxia telangiectasia (A-T); Cerebello-oculocutaneous telangiectasia; Immunodeficiency with ataxia telangiectasia; LOUIS-BAR SYNDROME. Identifiers: Orphanet 100, MedGen C0004135, MONDO:0008840, OMIM 208900.
Familial cancer of breast. Also called: hereditary breast carcinoma; BREAST CANCER, FAMILIAL; Hereditary breast cancer. Identifiers: Orphanet 227535, MedGen C0346153, MONDO:0016419, OMIM 114480. Disease mechanism: loss of function.

Submissions (4):

Ambry Genetics
Classification: Likely pathogenic for Hereditary cancer-predisposing syndrome. Last evaluated: 2025-02-07. Review status: criteria provided, single submitter. Criteria: Ambry Variant Classification Scheme 2023. Collection method: clinical testing. Allele origin: germline.
Comment: The c.1066-3_1072del10 variant results from a deletion of 10 nucleotides between positions c.1066-3 to c.1072 and involves the canonical splice acceptor site before coding exon 8 of the ATM gene. The canonical splice acceptor site is highly conserved in available vertebrate species. In silico splice site analysis predicts that this alteration will weaken the native splice acceptor site. RNA studies have demonstrated that this alteration results in abnormal splicing in the set of samples tested (Ambry internal data). Alterations that disrupt the canonical splice site are expected to cause aberrant splicing, resulting in an abnormal protein or a transcript that is subject to nonsense-mediated mRNA decay. As such, this alteration is classified as likely pathogenic.

Labcorp Genetics (formerly Invitae), Labcorp
Classification: Likely pathogenic for Ataxia-telangiectasia syndrome. Last evaluated: 2024-11-12. Review status: criteria provided, single submitter. Criteria: Invitae Variant Classification Sherloc (09022015). Collection method: clinical testing. Allele origin: germline.
Comment: This variant results in the deletion of part of exon 9 (c.1066-3_1072del) of the ATM gene. It is expected to disrupt RNA splicing. Variants that disrupt the donor or acceptor splice site typically lead to a loss of protein function (PMID: 16199547), and loss-of-function variants in ATM are known to be pathogenic (PMID: 23807571, 25614872). This variant is not present in population databases (gnomAD no frequency). This variant has been observed in individual(s) with Lynch syndrome (PMID: 25980754). ClinVar contains an entry for this variant (Variation ID: 652741). In summary, the currently available evidence indicates that the variant is pathogenic, but additional data are needed to prove that conclusively. Therefore, this variant has been classified as Likely Pathogenic.

GeneDx
Classification: Likely pathogenic. Last evaluated: 2024-03-12. Review status: criteria provided, single submitter. Criteria: GeneDx Variant Classification Process June 2021. Collection method: clinical testing. Allele origin: germline. Affected: yes.
Comment: Canonical splice site variant predicted to result in a null allele in a gene for which loss of function is a known mechanism of disease; Not observed at significant frequency in large population cohorts (gnomAD); Observed in a patient with Lynch syndrome-associated cancer and/or colorectal polyps (PMID: 25980754); This variant is associated with the following publications: (PMID: 25980754)

Myriad Genetics, Inc.
Classification: Likely pathogenic for Familial cancer of breast. Last evaluated: 2024-01-12. Review status: criteria provided, single submitter. Criteria: Myriad Autosomal Dominant, Autosomal Recessive and X-Linked Classification Criteria (2023). Collection method: clinical testing. Allele origin: unknown.
Comment: This variant is considered likely pathogenic. This variant occurs within a consensus splice junction and is predicted to result in abnormal mRNA splicing of either an out-of-frame exon or an in-frame exon necessary for protein stability and/or normal function.

Literature cited by the submitters: PubMed 16199547 (cited by Labcorp Genetics (formerly Invitae), Labcorp); PubMed 23807571 (cited by Labcorp Genetics (formerly Invitae), Labcorp); PubMed 25614872 (cited by Labcorp Genetics (formerly Invitae), Labcorp); PubMed 25980754 (cited by Labcorp Genetics (formerly Invitae), Labcorp).

NM_000051.4(ATM):c.1066-3_1072del

Gene: ATM (ATM serine/threonine kinase; plus strand). Cytogenetic location: 11q22.3.
Variant type: Deletion.
Coding change: c.1066-3_1072del on transcript NM_000051.4 (MANE Select); 3 bases into the intron before coding-DNA position 1066 through coding-DNA position 1072, 10 bases deleted (CAGGTTTTTA; older notation c.1066-3_1072delCAGGTTTTTA).
Molecular consequence: splice acceptor variant.
Genome position (GRCh38, 1-based): chr11:108,248,930-108,248,939, CAGGTTTTTA deleted; deleting any 10 consecutive bases within chr11:108,248,925-108,248,939 gives the same sequence; the c. name uses the placement nearest the transcript's 3' end. VCF-style (leftmost placement, unchanged base first): chr11-108248924-ATTTTACAGGT-A. GRCh37 (hg19) VCF-style: chr11-108119651-ATTTTACAGGT-A.
Other names: c.1066-3_1072delCAGGTTTTTA (NM_000051.3); c.1066-3_1072del10 (NM_000051.3); c.1066-3_1072del (NM_001351834.2).
Identifiers: ClinVar variation 652741 (VCV000652741.15), dbSNP rs1591517089, ClinGen allele CA915947731.